The following is an entry in ClinVar:

NM_003924.4(PHOX2B):c.652_683del (p.Pro218fs)

Gene: PHOX2B (paired like homeobox 2B; minus strand). Cytogenetic location: 4p13.
Variant type: Deletion.
Coding change: c.652_683del on transcript NM_003924.4 (MANE Select); coding-DNA positions 652 to 683, 32 bases deleted.
Protein change: p.Pro218fs; shifts the reading frame from proline 218.
Molecular consequence: frameshift variant.
Genome position (GRCh38, 1-based): chr4:41,746,069-41,746,100, 32 bases deleted; deleting any 32 consecutive bases within chr4:41,746,069-41,746,109 gives the same sequence; the c. name uses the placement nearest the transcript's 3' end. GRCh37 (hg19): chr4:41,748,095-41,748,126.
Other names: c.652_683delCCCAGCCCGGCTGGAGCTCCGGGGGCGGCGGG (NM_003924.3); short protein forms P218fs.
Identifiers: ClinVar variation 1754025 (VCV001754025.2), dbSNP rs2552096836, ClinGen allele CA2580071010.
Genomic context (GRCh38, chr4:41,746,068, plus strand): 5'-CGCGGCCGCCGCCGCTGCTGCTGCGCCGCCCTTGCCGGGTTCGCCTCCCGGGCCCCCGGG[CCCCGCCGCCCCCGGAGCTCCAGCCGGGCTGGG>C]CCCGCCGCCGCCGCCTCCATTCGCCCCGCAGCTGGGGGTGGGGTTGGGATTGGGACCTGG-3'

ClinVar aggregate classification (germline): Pathogenic (1 of 4 stars; one submission).

Conditions:
Hereditary cancer-predisposing syndrome. Also called: Neoplastic Syndromes, Hereditary; Tumor predisposition; Hereditary Cancer Syndrome; Hereditary neoplastic syndrome. Identifiers: Orphanet 140162, MedGen C0027672, MeSH D009386, MONDO:0015356.

Submission:

Ambry Genetics
Classification: Pathogenic for Hereditary cancer-predisposing syndrome. Last evaluated: 2016-10-25. Review status: criteria provided, single submitter. Criteria: Ambry Variant Classification Scheme 2023. Collection method: clinical testing. Allele origin: germline.
Comment: The c.652_683del32 pathogenic mutation, located in coding exon 3 of the PHOX2B gene, results from a deletion of 32 nucleotides at positions 652 to 683 causing a translational frameshift with a predicted alternate stop codon. Frameshifts are typically deleterious in nature, and although the alteration is not expected to trigger nonsense-mediated mRNA decay due to its location, it is predicted to result in loss of function by premature protein truncation. As such, this alteration is interpreted as a disease-causing mutation.